The following is an entry in ClinVar:

ClinVar aggregate classification (germline): Uncertain significance (1 of 4 stars; one submission).

Conditions:
Bethlem myopathy 1A. Also called: MYOPATHY, BENIGN CONGENITAL, WITH CONTRACTURES; Bethlem myopathy 1; Bethlem Muscular Dystrophy. Identifiers: Orphanet 610, MedGen CN029274, MONDO:0024530, OMIM 158810.

gnomAD v4.1: 1 of 1,612,812 alleles (0.000062%); highest among the groups gnomAD compares: East Asian, 0.0022%; no homozygotes.

Submission:

Labcorp Genetics (formerly Invitae), Labcorp
Classification: Uncertain significance for Bethlem myopathy 1A. Last evaluated: 2024-05-26. Review status: criteria provided, single submitter. Criteria: Invitae Variant Classification Sherloc (09022015). Collection method: clinical testing. Allele origin: germline.
Comment: This sequence change replaces lysine, which is basic and polar, with arginine, which is basic and polar, at codon 335 of the COL6A2 protein (p.Lys335Arg). This variant is present in population databases (rs749917539, gnomAD 0.02%). This variant has not been reported in the literature in individuals affected with COL6A2-related conditions. Advanced modeling of protein sequence and biophysical properties (such as structural, functional, and spatial information, amino acid conservation, physicochemical variation, residue mobility, and thermodynamic stability) performed at Invitae indicates that this missense variant is not expected to disrupt COL6A2 protein function with a negative predictive value of 80%. In summary, the available evidence is currently insufficient to determine the role of this variant in disease. Therefore, it has been classified as a Variant of Uncertain Significance.

NM_001849.4(COL6A2):c.1004A>G (p.Lys335Arg)

Gene: COL6A2 (collagen type VI alpha 2 chain; plus strand). Cytogenetic location: 21q22.3.
Variant type: single nucleotide variant.
Coding change: c.1004A>G on transcript NM_001849.4 (MANE Select); coding-DNA position 1004, A replaced by G.
Protein change: p.Lys335Arg; replaces lysine 335 with arginine.
Molecular consequence: missense variant.
Genome position (GRCh38, 1-based): chr21:46,117,404, A>G. VCF-style: chr21-46117404-A-G. GRCh37 (hg19) VCF-style: chr21-47537318-A-G.
Other names: c.1004A>G, p.Lys335Arg (NM_058174.3, NM_058175.3); short protein forms K335R.
Identifiers: ClinVar variation 3689411 (VCV003689411.2).